The following is an entry in ClinVar:

ClinVar aggregate classification (germline): Uncertain significance (1 of 4 stars; one submission).

Submission:

Labcorp Genetics (formerly Invitae), Labcorp
Classification: Uncertain significance. Last evaluated: 2025-10-30. Review status: criteria provided, single submitter. Criteria: Invitae Variant Classification Sherloc (09022015). Collection method: clinical testing. Allele origin: germline.
Comment: This sequence change is expected to alter the c-terminus of the COL9A3 protein (p.Lys678Asnfs*87). While this is not anticipated to result in nonsense mediated decay, it is expected to disrupt the last 7 amino acid(s) of the COL9A3 protein and extend the protein by 79 additional amino acid residues. This variant is present in population databases (no rsID available, gnomAD 0.002%). This variant has not been reported in the literature in individuals affected with COL9A3-related conditions. Experimental studies and prediction algorithms are not available or were not evaluated, and the functional significance of this variant is currently unknown. In summary, the available evidence is currently insufficient to determine the role of this variant in disease. Therefore, it has been classified as a Variant of Uncertain Significance.

NM_001853.4(COL9A3):c.2034del (p.Lys678fs)

Gene: COL9A3 (collagen type IX alpha 3 chain; plus strand). Cytogenetic location: 20q13.33.
Variant type: Deletion.
Coding change: c.2034del on transcript NM_001853.4 (MANE Select); coding-DNA position 2034, one base deleted (A; older notation c.2034delA).
Protein change: p.Lys678fs; shifts the reading frame from lysine 678.
Molecular consequence: frameshift variant.
Genome position (GRCh38, 1-based): chr20:62,840,711, A deleted; the last of 3 consecutive A bases (chr20:62,840,709-62,840,711); deleting any one gives the same sequence. VCF-style (leftmost placement, unchanged base first): chr20-62840708-GA-G. GRCh37 (hg19) VCF-style: chr20-61472060-GA-G.
Other names: short protein forms K678fs.
Identifiers: ClinVar variation 4762644 (VCV004762644.1).